The following is an entry in ClinVar:

NM_001174096.2(ZEB1):c.482_483del (p.Asn161fs)

Gene: ZEB1 (zinc finger E-box binding homeobox 1; plus strand). Cytogenetic location: 10p11.22.
Variant type: Deletion.
Coding change: c.482_483del on transcript NM_001174096.2 (MANE Select); coding-DNA positions 482 to 483, 2 bases deleted (AT; older notation c.482_483delAT).
Protein change: p.Asn161fs; shifts the reading frame from asparagine 161.
Molecular consequence: frameshift variant. On other transcripts: 5 prime UTR variant (30), intron variant (3).
Genome position (GRCh38, 1-based): chr10:31,502,507-31,502,508, AT deleted. VCF-style (leftmost placement, unchanged base first): chr10-31502506-AAT-A. GRCh37 (hg19) VCF-style: chr10-31791434-AAT-A.
Other names: c.-176_-175del (NM_001323658.2, NM_001323659.2, NM_001323660.2 and 27 more transcripts); c.440_441del, p.Asn147fs (NM_001323676.2); c.437_438del, p.Asn146fs (NM_001323677.2); c.479_480del, p.Asn160fs (NM_030751.6); c.260-8166_260-8165del (NM_001323674.2); c.209-8166_209-8165del (NM_001323678.2); c.218-8166_218-8165del (NM_001323675.2); c.431_432del, p.Asn144fs (NM_001128128.3); and 3 more; short protein forms N140fs, N143fs, N161fs, N146fs, N93fs, N144fs, N147fs, N160fs.
Identifiers: ClinVar variation 2856261 (VCV002856261.3), dbSNP rs2543401310, ClinGen allele CA2739265332.

ClinVar aggregate classification (germline): Pathogenic (1 of 4 stars; one submission).

Submission:

Labcorp Genetics (formerly Invitae), Labcorp
Classification: Pathogenic. Last evaluated: 2023-04-14. Review status: criteria provided, single submitter. Criteria: Invitae Variant Classification Sherloc (09022015). Collection method: clinical testing. Allele origin: germline.
Comment: For these reasons, this variant has been classified as Pathogenic. This variant has not been reported in the literature in individuals affected with ZEB1-related conditions. This variant is not present in population databases (gnomAD no frequency). This sequence change creates a premature translational stop signal (p.Asn160Argfs*16) in the ZEB1 gene. It is expected to result in an absent or disrupted protein product. Loss-of-function variants in ZEB1 are known to be pathogenic (PMID: 16252232, 17935237, 30851240).

Literature cited by the submitters: PubMed 16252232; PubMed 17935237; PubMed 30851240.